The following is an entry in ClinVar:

ClinVar aggregate classification (germline): Uncertain significance. Review status: criteria provided, multiple submitters, no conflicts (2 of 4 stars). 2 submissions from 2 submitters: Uncertain significance (2). Last evaluated 2025-10-15.

Conditions:
Gastrointestinal stromal tumor. Also called: Gastrointestinal stroma tumor; Gastrointestinal stromal tumor, somatic. Identifiers: Orphanet 44890, MedGen C0238198, MeSH D046152, MONDO:0011719, OMIM 606764, HP:0100723.
Hereditary cancer-predisposing syndrome. Also called: Tumor predisposition; Hereditary Cancer Syndrome; Hereditary neoplastic syndrome; Neoplastic Syndromes, Hereditary. Identifiers: Orphanet 140162, MedGen C0027672, MeSH D009386, MONDO:0015356.

Allele frequency attached by ClinVar (database versions not stated): gnomAD exomes 0.00004.
gnomAD v4.1: 33 of 1,613,918 alleles (0.002%); highest among the groups gnomAD compares: Non-Finnish European, 0.0028%; no homozygotes.

Submissions (2):

Labcorp Genetics (formerly Invitae), Labcorp
Classification: Uncertain significance for Gastrointestinal stromal tumor. Last evaluated: 2025-10-15. Review status: criteria provided, single submitter. Criteria: Invitae Variant Classification Sherloc (09022015). Collection method: clinical testing. Allele origin: germline.
Comment: This sequence change replaces proline, which is neutral and non-polar, with alanine, which is neutral and non-polar, at codon 896 of the KIT protein (p.Pro896Ala). This variant is not present in population databases (gnomAD no frequency). This variant has not been reported in the literature in individuals affected with KIT-related conditions. ClinVar contains an entry for this variant (Variation ID: 1374973). An algorithm developed to predict the effect of missense changes on protein structure and function (PolyPhen-2) suggests that this variant is likely to be disruptive. In summary, the available evidence is currently insufficient to determine the role of this variant in disease. Therefore, it has been classified as a Variant of Uncertain Significance.

Ambry Genetics
Classification: Uncertain significance for Hereditary cancer-predisposing syndrome. Last evaluated: 2023-06-25. Review status: criteria provided, single submitter. Criteria: Ambry Variant Classification Scheme 2023. Collection method: clinical testing. Allele origin: germline.
Comment: The p.P896A variant (also known as c.2686C>G), located in coding exon 19 of the KIT gene, results from a C to G substitution at nucleotide position 2686. The proline at codon 896 is replaced by alanine, an amino acid with highly similar properties. This amino acid position is conserved. In addition, the in silico prediction for this alteration is inconclusive. Since supporting evidence is limited at this time, the clinical significance of this alteration remains unclear.

NM_000222.3(KIT):c.2686C>G (p.Pro896Ala)

Gene: KIT (KIT proto-oncogene, receptor tyrosine kinase; plus strand). Cytogenetic location: 4q12.
Variant type: single nucleotide variant.
Coding change: c.2686C>G on transcript NM_000222.3 (MANE Select); coding-DNA position 2686, C replaced by G.
Protein change: p.Pro896Ala; replaces proline 896 with alanine.
Molecular consequence: missense variant.
Genome position (GRCh38, 1-based): chr4:54,736,810, C>G. VCF-style: chr4-54736810-C-G. GRCh37 (hg19) VCF-style: chr4-55602976-C-G.
Other names: c.2674C>G, p.Pro892Ala (NM_001093772.2, NM_001385292.1); c.2689C>G, p.Pro897Ala (NM_001385284.1); c.2683C>G, p.Pro895Ala (NM_001385285.1); c.2671C>G, p.Pro891Ala (NM_001385286.1); c.2677C>G, p.Pro893Ala (NM_001385288.1); c.2686C>G, p.Pro896Ala (NM_001385290.1); c.2686C>G (NM_000222.2); short protein forms P891A, P893A, P896A, P892A, P897A, P895A.
Identifiers: ClinVar variation 1374973 (VCV001374973.10), dbSNP rs1037165835, ClinGen allele CA96882589.